The following is an entry in ClinVar:

ClinVar aggregate classification (germline): Benign/Likely benign. Review status: criteria provided, multiple submitters, no conflicts (2 of 4 stars). 7 submissions from 7 submitters: Benign (1); Likely benign (6). Last evaluated 2026-01-05.

Conditions:
Hereditary cancer-predisposing syndrome. Also called: Tumor predisposition; Neoplastic Syndromes, Hereditary; Hereditary Cancer Syndrome; Hereditary neoplastic syndrome. Identifiers: Orphanet 140162, MedGen C0027672, MeSH D009386, MONDO:0015356.
Fanconi anemia complementation group J. Also called: BRIP1-Related Fanconi Anemia. Identifiers: Orphanet 84, MedGen C1836860, MONDO:0012187, OMIM 609054.
Familial cancer of breast. Also called: BREAST CANCER, FAMILIAL; Hereditary breast cancer; hereditary breast carcinoma. Identifiers: Orphanet 227535, MedGen C0346153, MONDO:0016419, OMIM 114480. Disease mechanism: loss of function.

Allele frequency attached by ClinVar (database versions not stated): gnomAD 0.00001; gnomAD exomes 0.00001; TOPMed 0.00001; ExAC 0.00002.
gnomAD v4.1: 4 of 1,607,886 alleles (0.00025%); highest among the groups gnomAD compares: South Asian, 0.0022%; no homozygotes.

Submissions (7):

Labcorp Genetics (formerly Invitae), Labcorp
Classification: Likely benign for Familial cancer of breast; Fanconi anemia complementation group J. Last evaluated: 2026-01-05. Review status: criteria provided, single submitter. Criteria: Invitae Variant Classification Sherloc (09022015). Collection method: clinical testing. Allele origin: germline.

Molecular Diagnostics Laboratory, Catalan Institute of Oncology
Classification: Likely benign for Hereditary cancer-predisposing syndrome. Last evaluated: 2024-11-11. Review status: criteria provided, single submitter. Criteria: ACMG Guidelines, 2015. Collection method: clinical testing. Allele origin: germline.
Comment: PM2_Supporting, BP4, BP7 c.2427T>C, located in exon 17 of the BRIP1 gene, is predicted to result in no splicing alteration (according to SpliceAI) and no amino acid change, p.(Gly809=) (BP4, BP7). This variant is found in 1/266928 alleles at a frequency of 0.0004% in the gnomAD v2.1.1 database, non-cancer dataset (PM2_supporting). To our knowledge, neither relevant clinical data nor well-stablished functional studies have been reported for this variant. It has been reported in the ClinVar database (4x likely benign) but not in the LOVD database. Based on currently available information, the variant c.2427T>C should be considered a likely benign variant.

Myriad Genetics, Inc.
Classification: Benign for Familial cancer of breast. Last evaluated: 2024-09-05. Review status: criteria provided, single submitter. Criteria: Myriad Autosomal Dominant, Autosomal Recessive and X-Linked Classification Criteria (2023). Collection method: clinical testing. Allele origin: unknown.
Comment: This variant is considered benign. This variant is a silent/synonymous amino acid change and it is not expected to impact splicing.

Women's Health and Genetics/Laboratory Corporation of America, LabCorp
Classification: Likely benign. Last evaluated: 2021-10-10. Review status: criteria provided, single submitter. Criteria: LabCorp Variant Classification Summary - May 2015. Collection method: clinical testing. Allele origin: germline.

Department of Pathology and Laboratory Medicine, Sinai Health System
Classification: Likely benign for Familial cancer of breast. Last evaluated: 2020-10-06. Review status: criteria provided, single submitter. Criteria: ACMG Guidelines, 2015. Collection method: clinical testing. Allele origin: germline. Affected: yes.

Color Diagnostics, LLC DBA Color Health
Classification: Likely benign for Hereditary cancer-predisposing syndrome. Last evaluated: 2018-10-25. Review status: criteria provided, single submitter. Criteria: ACMG Guidelines, 2015. Collection method: clinical testing. Allele origin: germline.

Ambry Genetics
Classification: Likely benign for Hereditary cancer-predisposing syndrome. Last evaluated: 2016-07-01. Review status: criteria provided, single submitter. Criteria: Ambry Variant Classification Scheme 2023. Collection method: clinical testing. Allele origin: germline.

NM_032043.3(BRIP1):c.2427T>C (p.Gly809=)

Gene: BRIP1 (BRCA1 interacting DNA helicase 1; minus strand). Cytogenetic location: 17q23.2.
Variant type: single nucleotide variant.
Coding change: c.2427T>C on transcript NM_032043.3 (MANE Select); coding-DNA position 2427, T replaced by C.
Protein change: p.Gly809=; no amino-acid change (glycine 809 retained).
Molecular consequence: synonymous variant.
Genome position (GRCh38, 1-based): chr17:61,716,016, A>G on the plus strand (T>C on the coding strand, the complement: BRIP1 is on the minus strand). VCF-style: chr17-61716016-A-G. GRCh37 (hg19) VCF-style: chr17-59793377-A-G.
Identifiers: ClinVar variation 479437 (VCV000479437.22), dbSNP rs754927538, ClinGen allele CA8690528.